The following is an entry in ClinVar:

NM_006343.3(MERTK):c.785G>T (p.Cys262Phe)

Gene: MERTK (MER proto-oncogene, tyrosine kinase; plus strand). Cytogenetic location: 2q13.
Variant type: single nucleotide variant.
Coding change: c.785G>T on transcript NM_006343.3 (MANE Select); coding-DNA position 785, G replaced by T.
Protein change: p.Cys262Phe; replaces cysteine 262 with phenylalanine.
Molecular consequence: missense variant.
Genome position (GRCh38, 1-based): chr2:111,965,218, G>T. VCF-style: chr2-111965218-G-T. GRCh37 (hg19) VCF-style: chr2-112722795-G-T.
Other names: short protein forms C262F.
Identifiers: ClinVar variation 3340604 (VCV003340604.1).
Genomic context (GRCh38, chr2:111,965,218, plus strand): 5'-GCTGCTGGTCTCATGAGTCTCCTTCCATTCCAGGCCTGACGGAGATGGCGGTCTTCAGTT[G>T]TGAGGCCCACAATGACAAAGGGCTGACCGTGTCCAAGGGAGTGCAGATCAACATCAAAGG-3'
Protein context (NP_006334.2, residues 252-272): PGLTEMAVFS[Cys262Phe]EAHNDKGLTV

ClinVar aggregate classification (germline): Uncertain significance (1 of 4 stars; one submission).

gnomAD v4.1: 3 of 1,614,068 alleles (0.00019%); highest among the groups gnomAD compares: Non-Finnish European, 0.00025%; no homozygotes.

Submission:

GeneDx
Classification: Uncertain significance. Last evaluated: 2023-09-09. Review status: criteria provided, single submitter. Criteria: GeneDx Variant Classification Process June 2021. Collection method: clinical testing. Allele origin: germline. Affected: yes.
Comment: Not observed at significant frequency in large population cohorts (gnomAD); In silico analysis supports that this missense variant has a deleterious effect on protein structure/function; This variant is associated with the following publications: (PMID: Roux[abstract]2018, 29659094)